The following is an entry in ClinVar:

ClinVar aggregate classification (germline): Pathogenic (1 of 4 stars; one submission).

Conditions:
Hereditary cancer-predisposing syndrome. Also called: Neoplastic Syndromes, Hereditary; Tumor predisposition; Hereditary Cancer Syndrome; Hereditary neoplastic syndrome. Identifiers: Orphanet 140162, MedGen C0027672, MeSH D009386, MONDO:0015356.

Submission:

Ambry Genetics
Classification: Pathogenic for Hereditary cancer-predisposing syndrome. Last evaluated: 2026-03-25. Review status: criteria provided, single submitter. Criteria: Ambry Variant Classification Scheme 2023. Collection method: clinical testing. Allele origin: germline.
Comment: The c.3020delC pathogenic mutation, located in coding exon 9 of the BRCA1 gene, results from a deletion of one nucleotide at nucleotide position 3020, causing a translational frameshift with a predicted alternate stop codon (p.S1007*). This variant is considered to be rare based on population cohorts in the Genome Aggregation Database (gnomAD). This alteration is expected to result in loss of function by premature protein truncation or nonsense-mediated mRNA decay. As such, this alteration is interpreted as a disease-causing mutation.

NM_007294.4(BRCA1):c.3020del (p.His1006_Ser1007insTer)

Gene: BRCA1 (BRCA1 DNA repair associated; minus strand). Cytogenetic location: 17q21.31.
Variant type: Deletion.
Coding change: c.3020del on transcript NM_007294.4 (MANE Select); coding-DNA position 3020, one base deleted (C; older notation c.3020delC).
Protein change: p.His1006_Ser1007insTer.
Molecular consequence: nonsense. On other transcripts: intron variant (137).
Genome position (GRCh38, 1-based): chr17:43,092,511, G deleted on the plus strand (C on the coding strand, the reverse complement: BRCA1 is on the minus strand). VCF-style (leftmost placement, unchanged base first): chr17-43092510-TG-T. GRCh37 (hg19) VCF-style: chr17-41244527-TG-T.
Other names: c.3017del, p.His1005_Ser1006insTer (NM_001407587.1, NM_001407590.1, NM_001407591.1 and 22 more transcripts); c.3020del, p.His1006_Ser1007insTer (NM_001407593.1, NM_001407594.1, NM_001407596.1 and 30 more transcripts); c.2807del, p.His935_Ser936insTer (NM_001407571.1, NM_001407899.1, NM_001407915.1 and 9 more transcripts); c.665-1479del (NM_001408437.1, NM_001408429.1, NM_001408442.1 and 12 more transcripts); c.788-1479del (NM_001407979.1, NM_001407977.1, NM_001407982.1 and 17 more transcripts); c.647-1479del (NM_001408410.1, NM_001408455.1, NM_001408466.1 and 11 more transcripts); c.710-1479del (NM_001408415.1, NM_001408414.1, NM_001408411.1 and 2 more transcripts); c.578-1479del (NM_001408483.1, NM_001408492.1, NM_001408513.1 and 9 more transcripts); and 41 more.
Identifiers: ClinVar variation 4867700 (VCV004867700.1).
Genomic context (GRCh38, chr17:43,092,510, plus strand): 5'-GCTAATTGTGCTCACTGTACTTGGAATGTTCTCATTTCCCATTTCTCTTTCAGGTGACAT[TG>T]AATGTTCCTCAAAGTTTTCCTCTAGCAGATTTTTCTTACATTTAGTTTTAACAAATGACT-3'